The following is an entry in ClinVar:

NM_001297595.2(SIN3B):c.271C>T (p.His91Tyr)

Gene: SIN3B (SIN3 transcription regulator family member B; plus strand). Cytogenetic location: 19p13.11.
Variant type: single nucleotide variant.
Coding change: c.271C>T on transcript NM_001297595.2 (MANE Select); coding-DNA position 271, C replaced by T.
Protein change: p.His91Tyr; replaces histidine 91 with tyrosine.
Molecular consequence: missense variant.
Genome position (GRCh38, 1-based): chr19:16,831,537, C>T. VCF-style: chr19-16831537-C-T. GRCh37 (hg19) VCF-style: chr19-16942348-C-T.
Other names: c.271C>T (NM_015260.3); c.271C>T, p.His91Tyr (NM_015260.4); short protein forms H91Y.
Identifiers: ClinVar variation 3162327 (VCV003162327.2), dbSNP rs1336163945, ClinGen allele CA404637192.

ClinVar aggregate classification (germline): Uncertain significance. Review status: criteria provided, multiple submitters, no conflicts (2 of 4 stars). 2 submissions from 2 submitters: Uncertain significance (2). Last evaluated 2025-05-30.

Submissions (2):

GeneDx
Classification: Uncertain significance. Last evaluated: 2025-05-30. Review status: criteria provided, single submitter. Criteria: GeneDx Variant Classification Process June 2021. Collection method: clinical testing. Allele origin: germline. Affected: yes.
Comment: Not observed at significant frequency in large population cohorts (gnomAD); In silico analysis supports that this missense variant has a deleterious effect on protein structure/function; Has not been previously published as pathogenic or benign to our knowledge

Ambry Genetics
Classification: Uncertain significance. Last evaluated: 2023-10-05. Review status: criteria provided, single submitter. Criteria: Ambry Variant Classification Scheme 2023. Collection method: clinical testing. Allele origin: germline.